The following is an entry in ClinVar:

ClinVar aggregate classification (germline): Uncertain significance. Review status: criteria provided, multiple submitters, no conflicts (2 of 4 stars). 2 submissions from 2 submitters: Uncertain significance (2). Last evaluated 2022-03-13.

Allele frequency attached by ClinVar (database versions not stated): gnomAD exomes below 0.00001 and 0.00001; ExAC 0.00001; TOPMed 0.00001.
gnomAD v4.1: 5 of 1,613,646 alleles (0.00031%); highest among the groups gnomAD compares: East Asian, 0.0045%; no homozygotes.

Submissions (2):

Labcorp Genetics (formerly Invitae), Labcorp
Classification: Uncertain significance. Last evaluated: 2022-03-13. Review status: criteria provided, single submitter. Criteria: Invitae Variant Classification Sherloc (09022015). Collection method: clinical testing. Allele origin: germline.
Comment: This sequence change replaces threonine, which is neutral and polar, with isoleucine, which is neutral and non-polar, at codon 122 of the ERCC2 protein (p.Thr122Ile). This variant is present in population databases (rs770334103, gnomAD 0.01%). This variant has not been reported in the literature in individuals affected with ERCC2-related conditions. ClinVar contains an entry for this variant (Variation ID: 1319433). Algorithms developed to predict the effect of missense changes on protein structure and function are either unavailable or do not agree on the potential impact of this missense change (SIFT: "Deleterious"; PolyPhen-2: "Benign"; Align-GVGD: "Class C0"). In summary, the available evidence is currently insufficient to determine the role of this variant in disease. Therefore, it has been classified as a Variant of Uncertain Significance.

Institute for Clinical Genetics, University Hospital TU Dresden, University Hospital TU Dresden
Classification: Uncertain significance. Last evaluated: 2021-11-03. Review status: criteria provided, single submitter. Criteria: ACMG Guidelines, 2015. Collection method: clinical testing. Allele origin: germline.

NM_000400.4(ERCC2):c.365C>T (p.Thr122Ile)

Gene: ERCC2 (ERCC excision repair 2, TFIIH core complex helicase subunit; minus strand). Cytogenetic location: 19q13.32.
Variant type: single nucleotide variant.
Coding change: c.365C>T on transcript NM_000400.4 (MANE Select); coding-DNA position 365, C replaced by T.
Protein change: p.Thr122Ile; replaces threonine 122 with isoleucine.
Molecular consequence: missense variant.
Genome position (GRCh38, 1-based): chr19:45,365,154, G>A on the plus strand (C>T on the coding strand, the complement: ERCC2 is on the minus strand). VCF-style: chr19-45365154-G-A. GRCh37 (hg19) VCF-style: chr19-45868412-G-A.
Other names: c.293C>T, p.Thr98Ile (NM_001130867.2); short protein forms T122I, T98I.
Identifiers: ClinVar variation 1319433 (VCV001319433.4), dbSNP rs770334103, ClinGen allele CA9513811.